The following is an entry in ClinVar:

NM_030955.4(ADAMTS12):c.1014T>C (p.His338=)

Gene: ADAMTS12 (ADAM metallopeptidase with thrombospondin type 1 motif 12; minus strand). Cytogenetic location: 5p13.3.
Variant type: single nucleotide variant.
Coding change: c.1014T>C on transcript NM_030955.4 (MANE Select); coding-DNA position 1014, T replaced by C.
Protein change: p.His338=; no amino-acid change (histidine 338 retained).
Molecular consequence: synonymous variant.
Genome position (GRCh38, 1-based): chr5:33,661,942, A>G on the plus strand (T>C on the coding strand, the complement: ADAMTS12 is on the minus strand). VCF-style: chr5-33661942-A-G. GRCh37 (hg19) VCF-style: chr5-33662047-A-G.
Other names: c.1014T>C, p.His338= (NM_001324512.2).
Identifiers: ClinVar variation 2655389 (VCV002655389.24), dbSNP rs377143805, ClinGen allele CA116890053.

ClinVar aggregate classification (germline): Likely benign (1 of 4 stars; one submission).

Allele frequency attached by ClinVar (database versions not stated): gnomAD 0.00002; gnomAD exomes 0.00004; ESP Exome Variant Server 0.00008.
gnomAD v4.1: 57 of 1,613,336 alleles (0.0035%); highest among the groups gnomAD compares: Non-Finnish European, 0.0047%; no homozygotes.

Submission:

CeGaT Center for Human Genetics Tuebingen
Classification: Likely benign. Last evaluated: 2022-09-01. Review status: criteria provided, single submitter. Criteria: CeGaT Center For Human Genetics Tuebingen Variant Classification Criteria Version 2. Collection method: clinical testing. Allele origin: germline. Affected: yes. Observed: 1 variant allele.
Comment: ADAMTS12: BP4, BP7